The following is an entry in ClinVar:

NM_007254.4(PNKP):c.124A>G (p.Thr42Ala)

Gene: PNKP (polynucleotide kinase 3'-phosphatase; minus strand). Cytogenetic location: 19q13.33.
Variant type: single nucleotide variant.
Coding change: c.124A>G on transcript NM_007254.4 (MANE Select); coding-DNA position 124, A replaced by G.
Protein change: p.Thr42Ala; replaces threonine 42 with alanine.
Molecular consequence: missense variant.
Genome position (GRCh38, 1-based): chr19:49,867,081, T>C on the plus strand (A>G on the coding strand, the complement: PNKP is on the minus strand). VCF-style: chr19-49867081-T-C. GRCh37 (hg19) VCF-style: chr19-50370338-T-C.
Other names: short protein forms T42A.
Identifiers: ClinVar variation 965662 (VCV000965662.10), dbSNP rs2074826042, ClinGen allele CA406893438.
Genomic context (GRCh38, chr19:49,867,081, plus strand): 5'-GGCCACACCCCCTCCAGCTCAGGCCCCGCTCACCTTGAGTTCTGGAGCACTTCCGGTCCG[T>C]AACCTGGGTCAGGGGTCCCCTGCCCAGGACCAGGGCTTGCCCGTCCGAGGGCAGGAAGAT-3'
Protein context (NP_009185.2, residues 32-52): VLGRGPLTQV[Thr42Ala]DRKCSRTQVE

ClinVar aggregate classification (germline): Uncertain significance (1 of 4 stars; one submission).

Conditions:
Developmental and epileptic encephalopathy, 12 (DEE12). Identifiers: MedGen C3150988, MONDO:0013389, OMIM 613722.

Allele frequency attached by ClinVar (database versions not stated): TOPMed below 0.00001.

Submission:

Labcorp Genetics (formerly Invitae), Labcorp
Classification: Uncertain significance for Developmental and epileptic encephalopathy, 12. Last evaluated: 2019-10-03. Review status: criteria provided, single submitter. Criteria: Invitae Variant Classification Sherloc (09022015). Collection method: clinical testing. Allele origin: germline.
Comment: Algorithms developed to predict the effect of missense changes on protein structure and function (SIFT, PolyPhen-2, Align-GVGD) all suggest that this variant is likely to be tolerated, but these predictions have not been confirmed by published functional studies and their clinical significance is uncertain. This variant has not been reported in the literature in individuals with PNKP-related conditions. This variant is not present in population databases (ExAC no frequency). This sequence change replaces threonine with alanine at codon 42 of the PNKP protein (p.Thr42Ala). The threonine residue is moderately conserved and there is a small physicochemical difference between threonine and alanine. In summary, the available evidence is currently insufficient to determine the role of this variant in disease. Therefore, it has been classified as a Variant of Uncertain Significance.